The following is an entry in ClinVar:

ClinVar aggregate classification (germline): Likely pathogenic (1 of 4 stars; one submission).

Conditions:
Laron-type isolated somatotropin defect. Also called: GROWTH HORMONE RECEPTOR DEFICIENCY; Laron Syndrome; Growth hormone binding protein deficiency or dysfunction; Growth hormone receptor deficiency or dysfunction; Laron dwarfism; Laron type pituitary dwarfism I. Identifiers: Orphanet 633, MedGen C0271568, MONDO:0009877, OMIM 262500.

Submission:

Foundation for Research in Genetics and Endocrinology, FRIGE's Institute of Human Genetics
Classification: Likely pathogenic for Laron-type isolated somatotropin defect. Last evaluated: 2024-02-26. Review status: criteria provided, single submitter. Criteria: ACMG Guidelines, 2015. Collection method: clinical testing. Allele origin: germline. Inheritance: Autosomal recessive inheritance. Affected: yes. Observed: 1 compound heterozygote.
Comment: A heterozygous contiguous deletion of size ~8.23 Kb, on chromosome 5: chr5:g.(42700003_42711206)_(42719424_?)del , comprising exons 7 to 11 of the GHR gene, suggestive of a copy number variant was detected. The coverage and depth of these regions are sufficiently targeted in this assay and hence, the results are likely to be suggestive of a heterozygous deletion of this region [CNV ratio: 0.49; BF value: 28.80]. Exon deletions in the GHR gene have previously been reported in patients affected with growth hormone insensitivity [PMID: 29748515]. In summary, the variant meets our criteria to be classified as likely pathogenic.

NC_000005.10:g.(42700003_42711206)_(42719424_?)del

Gene: GHR (growth hormone receptor; plus strand). Cytogenetic location: 5p12.
Variant type: Deletion.
Identifiers: ClinVar variation 3024216 (VCV003024216.2).